The following is an entry in ClinVar:

NM_018249.6(CDK5RAP2):c.3002C>T (p.Thr1001Met)

Gene: CDK5RAP2 (CDK5 regulatory subunit associated protein 2; minus strand). Cytogenetic location: 9q33.2.
Variant type: single nucleotide variant.
Coding change: c.3002C>T on transcript NM_018249.6 (MANE Select); coding-DNA position 3002, C replaced by T.
Protein change: p.Thr1001Met; replaces threonine 1001 with methionine.
Molecular consequence: missense variant. On other transcripts: non-coding transcript variant (5).
Genome position (GRCh38, 1-based): chr9:120,447,918, G>A on the plus strand (C>T on the coding strand, the complement: CDK5RAP2 is on the minus strand). VCF-style: chr9-120447918-G-A. GRCh37 (hg19) VCF-style: chr9-123210196-G-A.
Other names: c.3002C>T (NM_018249.4); c.3002C>T, p.Thr1001Met (NM_001011649.3); c.2312C>T, p.Thr771Met (NM_001272039.2); short protein forms T1001M, T771M.
Identifiers: ClinVar variation 364760 (VCV000364760.9), dbSNP rs145293519, ClinGen allele CA5213943.
Genomic context (GRCh38, chr9:120,447,918, plus strand): 5'-TCTAGCTCACAGGGAATACATTTTTCTTGGTGCTTACCATTCAGCAACGTTTTGTCGGGC[G>A]TTGGCCTCCCCTCCATCACTGCTTCAGCCAGAATTAACTTTTGGTGAAGTTGCTTATTAC-3'
Protein context (NP_060719.4, residues 991-1011): LAEAVMEGRP[Thr1001Met]PDKTLLNAQP

ClinVar aggregate classification (germline): Uncertain significance. Review status: criteria provided, multiple submitters, no conflicts (2 of 4 stars). 3 submissions from 3 submitters: Uncertain significance (3). Last evaluated 2023-10-05.

Conditions:
Inborn genetic diseases. Identifiers: MedGen C0950123, MeSH D030342.
Microcephaly 3, primary, autosomal recessive. Identifiers: Orphanet 2512, MedGen C1858108, MONDO:0011488, OMIM 604804.

Allele frequency attached by ClinVar (database versions not stated): gnomAD exomes 0.00007; ExAC 0.00008; ESP Exome Variant Server 0.00008; TOPMed 0.00011; 1000 Genomes Project 30x 0.00016; gnomAD 0.00016 and 0.00017; 1000 Genomes Project 0.00020.
gnomAD v4.1: 177 of 1,614,048 alleles (0.011%); highest among the groups gnomAD compares: Middle Eastern, 0.099%; no homozygotes.

Submissions (3):

Labcorp Genetics (formerly Invitae), Labcorp
Classification: Uncertain significance. Last evaluated: 2023-10-05. Review status: criteria provided, single submitter. Criteria: Invitae Variant Classification Sherloc (09022015). Collection method: clinical testing. Allele origin: germline.
Comment: This sequence change replaces threonine, which is neutral and polar, with methionine, which is neutral and non-polar, at codon 1001 of the CDK5RAP2 protein (p.Thr1001Met). This variant is present in population databases (rs145293519, gnomAD 0.03%). This variant has not been reported in the literature in individuals affected with CDK5RAP2-related conditions. ClinVar contains an entry for this variant (Variation ID: 364760). Algorithms developed to predict the effect of missense changes on protein structure and function output the following: SIFT: "Not Available"; PolyPhen-2: "Benign"; Align-GVGD: "Not Available". The methionine amino acid residue is found in multiple mammalian species, which suggests that this missense change does not adversely affect protein function. In summary, the available evidence is currently insufficient to determine the role of this variant in disease. Therefore, it has been classified as a Variant of Uncertain Significance.

Ambry Genetics
Classification: Uncertain significance for Inborn genetic diseases. Last evaluated: 2020-11-23. Review status: criteria provided, single submitter. Criteria: Ambry Variant Classification Scheme 2023. Collection method: clinical testing. Allele origin: germline.

Illumina Laboratory Services, Illumina
Classification: Uncertain significance for Microcephaly 3, primary, autosomal recessive. Last evaluated: 2018-01-13. Review status: criteria provided, single submitter. Criteria: ICSL Variant Classification Criteria 13 December 2019. Collection method: clinical testing. Allele origin: germline.